The following is an entry in ClinVar:

ClinVar aggregate classification (germline): Likely benign (0 of 4 stars; one submission).

Conditions:
CRYGC-related disorder. Also called: CRYGC-related condition.

Allele frequency attached by ClinVar (database versions not stated): ExAC 0.00001; gnomAD 0.00001; TOPMed 0.00001.

Submission:

PreventionGenetics, part of Exact Sciences
Classification: Likely benign for CRYGC-related condition. Last evaluated: 2019-04-09. Review status: no assertion criteria provided. Collection method: clinical testing. Allele origin: germline.
Comment: This variant is classified as likely benign based on ACMG/AMP sequence variant interpretation guidelines (Richards et al. 2015 PMID: 25741868, with internal and published modifications).

NM_020989.4(CRYGC):c.*9A>C

Genes: CRYGC (crystallin gamma C; minus strand), LOC100507443 (uncharacterized LOC100507443; plus strand). Cytogenetic location: 2q33.3.
Variant type: single nucleotide variant.
Coding change: c.*9A>C on transcript NM_020989.4 (MANE Select); 9 bases downstream of the stop codon, A replaced by C.
Molecular consequence: 3 prime UTR variant.
Genome position (GRCh38, 1-based): chr2:208,128,194, T>G on the plus strand (A>C on the coding strand, the complement: CRYGC is on the minus strand). VCF-style: chr2-208128194-T-G. GRCh37 (hg19) VCF-style: chr2-208992918-T-G.
Identifiers: ClinVar variation 3057677 (VCV003057677.2), dbSNP rs745925773, ClinGen allele CA2077815.